The following is an entry in ClinVar:

ClinVar aggregate classification (germline): Uncertain significance (1 of 4 stars; one submission).

Conditions:
Cohen syndrome (COH1). Also called: Cutis verticis gyrata, retinitis pigmentosa, and sensorineural deafness; PEPPER SYNDROME. Identifiers: Orphanet 193, MedGen C0265223, MONDO:0008999, OMIM 216550.

Allele frequency attached by ClinVar (database versions not stated): gnomAD exomes below 0.00001.
gnomAD v4.1: 4 of 1,603,142 alleles (0.00025%); highest among the groups gnomAD compares: Non-Finnish European, 0.00034%; no homozygotes.

Submission:

Labcorp Genetics (formerly Invitae), Labcorp
Classification: Uncertain significance for Cohen syndrome. Last evaluated: 2024-12-11. Review status: criteria provided, single submitter. Criteria: Invitae Variant Classification Sherloc (09022015). Collection method: clinical testing. Allele origin: germline.
Comment: This sequence change replaces threonine, which is neutral and polar, with alanine, which is neutral and non-polar, at codon 241 of the VPS13B protein (p.Thr241Ala). This variant is not present in population databases (gnomAD no frequency). This variant has not been reported in the literature in individuals affected with VPS13B-related conditions. ClinVar contains an entry for this variant (Variation ID: 3018569). Invitae Evidence Modeling of protein sequence and biophysical properties (such as structural, functional, and spatial information, amino acid conservation, physicochemical variation, residue mobility, and thermodynamic stability) indicates that this missense variant is expected to disrupt VPS13B protein function with a positive predictive value of 80%. In summary, the available evidence is currently insufficient to determine the role of this variant in disease. Therefore, it has been classified as a Variant of Uncertain Significance.

NM_152564.5(VPS13B):c.721A>G (p.Thr241Ala)

Gene: VPS13B (vacuolar protein sorting 13 homolog B; plus strand). Cytogenetic location: 8q22.2.
Variant type: single nucleotide variant.
Coding change: c.721A>G on transcript NM_152564.5 (MANE Select); coding-DNA position 721, A replaced by G.
Protein change: p.Thr241Ala; replaces threonine 241 with alanine.
Molecular consequence: missense variant. On other transcripts: non-coding transcript variant (1).
Genome position (GRCh38, 1-based): chr8:99,111,238, A>G. VCF-style: chr8-99111238-A-G. GRCh37 (hg19) VCF-style: chr8-100123466-A-G.
Other names: c.721A>G, p.Thr241Ala (NM_015243.3, NM_017890.5, NM_181661.3); short protein forms T241A.
Identifiers: ClinVar variation 3018569 (VCV003018569.3), dbSNP rs2488672541, ClinGen allele CA371860236.
Genomic context (GRCh38, chr8:99,111,238, plus strand): 5'-ATAGAATTTTACCAGGATCCTTTATTATACAAATGTTCCTTCAGAACTCGTCTTCATTTT[A>G]CATATGAAAACCTAAATTCCAAGATGCCATCTGTTATTAAAGTAGGTATCTCTTTTTTTT-3'
Protein context (NP_689777.3, residues 231-251): KCSFRTRLHF[Thr241Ala]YENLNSKMPS